The following is an entry in ClinVar:

ClinVar aggregate classification (germline): Uncertain significance (1 of 4 stars; one submission).

Submission:

GeneDx
Classification: Uncertain significance. Last evaluated: 2026-03-02. Review status: criteria provided, single submitter. Criteria: GeneDx Variant Classification Process June 2021. Collection method: clinical testing. Allele origin: germline.
Comment: Not observed at significant frequency in large population cohorts (gnomAD); In silico analysis suggests that this missense variant does not alter protein structure/function; Has not been previously published as pathogenic or benign to our knowledge

NM_152713.5(STT3A):c.1339G>A (p.Asp447Asn)

Gene: STT3A (STT3 oligosaccharyltransferase complex catalytic subunit A; plus strand). Cytogenetic location: 11q24.2.
Variant type: single nucleotide variant.
Coding change: c.1339G>A on transcript NM_152713.5 (MANE Select); coding-DNA position 1339, G replaced by A.
Protein change: p.Asp447Asn; replaces aspartic acid 447 with asparagine.
Molecular consequence: missense variant.
Genome position (GRCh38, 1-based): chr11:125,612,721, G>A. VCF-style: chr11-125612721-G-A. GRCh37 (hg19) VCF-style: chr11-125482616-G-A.
Other names: c.1339G>A, p.Asp447Asn (NM_001278503.2); c.1063G>A, p.Asp355Asn (NM_001278504.2); short protein forms D447N, D355N.
Identifiers: ClinVar variation 5008243 (VCV005008243.1).